The following is an entry in ClinVar:

ClinVar aggregate classification (germline): Benign/Likely benign. Review status: criteria provided, multiple submitters, no conflicts (2 of 4 stars). 8 submissions from 8 submitters: Benign (7); Likely benign (1). Last evaluated 2026-03-01.

Conditions:
Sitosterolemia 1. Identifiers: MedGen C2749759, MONDO:0020747, OMIM 210250.
Cardiovascular phenotype. Identifiers: MedGen CN230736.

Allele frequency attached by ClinVar (database versions not stated): ExAC 0.00197; gnomAD 0.00581 and 0.00624; TOPMed 0.00657; ESP Exome Variant Server 0.00730; 1000 Genomes Project 30x 0.00734; 1000 Genomes Project 0.00739.
gnomAD v4.1: 1,651 of 1,613,676 alleles (0.1%); highest among the groups gnomAD compares: African/African-American, 2%; 15 homozygotes.

Submissions (8):

CeGaT Center for Human Genetics Tuebingen
Classification: Benign. Last evaluated: 2026-03-01. Review status: criteria provided, single submitter. Criteria: CeGaT Center For Human Genetics Tuebingen Variant Classification Criteria Version 2. Collection method: clinical testing. Allele origin: germline. Affected: yes. Observed: 2 variant alleles.
Comment: ABCG8: BP4, BS1, BS2

Labcorp Genetics (formerly Invitae), Labcorp
Classification: Benign. Last evaluated: 2026-01-24. Review status: criteria provided, single submitter. Criteria: Invitae Variant Classification Sherloc (09022015). Collection method: clinical testing. Allele origin: germline.

Mayo Clinic Laboratories, Mayo Clinic
Classification: Benign. Last evaluated: 2025-04-29. Review status: criteria provided, single submitter. Criteria: ACMG Guidelines, 2015. Collection method: clinical testing. Allele origin: germline. Observed: 16 variant alleles.
Comment: BS1, BS2

Blueprint Genetics
Classification: Likely benign. Last evaluated: 2024-11-26. Review status: criteria provided, single submitter. Criteria: ACMG Guidelines, 2015. Collection method: clinical testing. Allele origin: germline.

Women's Health and Genetics/Laboratory Corporation of America, LabCorp
Classification: Benign. Last evaluated: 2023-12-18. Review status: criteria provided, single submitter. Criteria: LabCorp Variant Classification Summary - May 2015. Collection method: clinical testing. Allele origin: germline.
Comment: Variant summary: ABCG8 c.154C>G (p.Leu52Val) results in a conservative amino acid change located in the ABC transporter-like, ATP-binding domain (IPR003439) of the encoded protein sequence. Three of five in-silico tools predict a damaging effect of the variant on protein function. The variant allele was found at a frequency of 0.0016 in 251310 control chromosomes, predominantly at a frequency of 0.023 within the African or African-American subpopulation in the gnomAD database, including 1 homozygotes. The observed variant frequency within African or African-American control individuals in the gnomAD database is approximately 5-fold of the estimated maximal expected allele frequency for a pathogenic variant in ABCG8 causing Early Onset Coronary Artery Disease phenotype (0.005), strongly suggesting that the variant is a benign polymorphism found primarily in populations of African or African-American origin. c.154C>G has been reported in the literature in individuals affected with metabolic abnormality without strong evidence for causality (example, Geller_2018, Reeskamp_2020). These report(s) do not provide unequivocal conclusions about association of the variant with Early Onset Coronary Artery Disease. To our knowledge, no experimental evidence demonstrating an impact on protein function has been reported.The following publications have been ascertained in the context of this evaluation (PMID: 30333156, 32088153). Four submitters have cited clinical-significance assessments for this variant to ClinVar after 2014. All submitters classified the variant as benign. Based on the evidence outlined above, the variant was classified as benign.

GeneDx
Classification: Benign. Last evaluated: 2021-02-26. Review status: criteria provided, single submitter. Criteria: GeneDx Variant Classification Process June 2021. Collection method: clinical testing. Allele origin: germline. Affected: yes.
Comment: This variant is associated with the following publications: (PMID: 32088153, 30333156)

Ambry Genetics
Classification: Benign for Cardiovascular phenotype. Last evaluated: 2019-07-16. Review status: criteria provided, single submitter. Criteria: Ambry Variant Classification Scheme 2023. Collection method: clinical testing. Allele origin: germline.

Illumina Laboratory Services, Illumina
Classification: Benign for Sitosterolemia 1. Last evaluated: 2018-01-13. Review status: criteria provided, single submitter. Criteria: ICSL Variant Classification Criteria 13 December 2019. Collection method: clinical testing. Allele origin: germline.
Comment: This variant was observed in the ICSL laboratory as part of a predisposition screen in an ostensibly healthy population. It had not been previously curated by ICSL or reported in the Human Gene Mutation Database (HGMD: prior to June 1st, 2018), and was therefore a candidate for classification through an automated scoring system. Utilizing variant allele frequency, disease prevalence and penetrance estimates, and inheritance mode, an automated score was calculated to assess if this variant is too frequent to cause the disease. Based on the score and internal cut-off values, a variant classified as benign is not then subjected to further curation. The score for this variant resulted in a classification of benign for this disease.

Literature cited by the submitters: PubMed 30333156 (cited by Women's Health and Genetics/Laboratory Corporation of America, LabCorp and Ambry Genetics); PubMed 32088153 (cited by Women's Health and Genetics/Laboratory Corporation of America, LabCorp).

NM_022437.3(ABCG8):c.154C>G (p.Leu52Val)

Gene: ABCG8 (ATP binding cassette subfamily G member 8; plus strand). Cytogenetic location: 2p21.
Variant type: single nucleotide variant.
Coding change: c.154C>G on transcript NM_022437.3 (MANE Select); coding-DNA position 154, C replaced by G.
Protein change: p.Leu52Val; replaces leucine 52 with valine.
Molecular consequence: missense variant.
Genome position (GRCh38, 1-based): chr2:43,844,597, C>G. VCF-style: chr2-43844597-C-G. GRCh37 (hg19) VCF-style: chr2-44071736-C-G.
Other names: p.Leu52Val; c.154C>G, p.Leu52Val (NM_001357321.2); short protein forms L52V.
Identifiers: ClinVar variation 767793 (VCV000767793.27), dbSNP rs142250628, ClinGen allele CA1636900.